The following is an entry in ClinVar:

ClinVar aggregate classification (germline): Likely benign. Review status: criteria provided, multiple submitters, no conflicts (2 of 4 stars). 3 submissions from 3 submitters: Likely benign (3). Last evaluated 2026-01-25.

Conditions:
Walker-Warburg congenital muscular dystrophy. Also called: Muscular dystrophy-dystroglycanopathy, type A; Walker-Warburg syndrome. Identifiers: Orphanet 899, MedGen C0265221, MONDO:0000171.
Cardiovascular phenotype. Identifiers: MedGen CN230736.

gnomAD v4.1: 34 of 1,523,416 alleles (0.0022%); highest among the groups gnomAD compares: South Asian, 0.039%; no homozygotes.

Submissions (3):

Labcorp Genetics (formerly Invitae), Labcorp
Classification: Likely benign for Walker-Warburg congenital muscular dystrophy. Last evaluated: 2026-01-25. Review status: criteria provided, single submitter. Criteria: Invitae Variant Classification Sherloc (09022015). Collection method: clinical testing. Allele origin: germline.

Ambry Genetics
Classification: Likely benign for Cardiovascular phenotype. Last evaluated: 2023-10-12. Review status: criteria provided, single submitter. Criteria: Ambry Variant Classification Scheme 2023. Collection method: clinical testing. Allele origin: germline.

CeGaT Center for Human Genetics Tuebingen
Classification: Likely benign. Last evaluated: 2022-10-01. Review status: criteria provided, single submitter. Criteria: CeGaT Center For Human Genetics Tuebingen Variant Classification Criteria Version 2. Collection method: clinical testing. Allele origin: germline. Affected: yes. Observed: 1 variant allele.
Comment: FKRP: BP4, BP7

NM_024301.5(FKRP):c.456C>T (p.Ser152=)

Gene: FKRP (fukutin related protein; plus strand). Cytogenetic location: 19q13.32.
Variant type: single nucleotide variant.
Coding change: c.456C>T on transcript NM_024301.5 (MANE Select); coding-DNA position 456, C replaced by T.
Protein change: p.Ser152=; no amino-acid change (serine 152 retained).
Molecular consequence: synonymous variant.
Genome position (GRCh38, 1-based): chr19:46,755,906, C>T. VCF-style: chr19-46755906-C-T. GRCh37 (hg19) VCF-style: chr19-47259163-C-T.
Other names: c.456C>T, p.Ser152= (NM_001039885.3).
Identifiers: ClinVar variation 459237 (VCV000459237.35), dbSNP rs199714523, ClinGen allele CA9532152.